The following is an entry in ClinVar:

ClinVar aggregate classification (germline): Conflicting classifications of pathogenicity. Review status: criteria provided, conflicting classifications (1 of 4 stars). 8 submissions from 8 submitters: Pathogenic (1); Likely pathogenic (3); Uncertain significance (3). 1 of the submissions does not count toward it. Last evaluated 2026-09-01.

Conditions:
Neurodevelopmental disorder with cerebellar atrophy and motor dysfunction. Identifiers: MedGen C5543427, MONDO:0859152, OMIM 619333.

Allele frequency attached by ClinVar (database versions not stated): 1000 Genomes Project 0.00280; 1000 Genomes Project 30x 0.00281; ExAC 0.00455; gnomAD 0.00455 and 0.00456; gnomAD exomes 0.00460 and 0.00735; TOPMed 0.00505; ESP Exome Variant Server 0.00623.
gnomAD v4.1: 11,346 of 1,611,648 alleles (0.7%); highest among the groups gnomAD compares: Non-Finnish European, 0.87%; 58 homozygotes.

Submissions (8):

CeGaT Center for Human Genetics Tuebingen
Classification: Likely pathogenic. Last evaluated: 2026-09-01. Review status: criteria provided, single submitter. Criteria: CeGaT Center For Human Genetics Tuebingen Variant Classification Criteria Version 2. Collection method: clinical testing. Allele origin: germline. Affected: yes. Observed: 7 variant alleles.
Comment: GEMIN5: PM3:Strong, PM1, PM2:Supporting, PS3:Supporting

Dasa
Classification: Likely pathogenic. Last evaluated: 2026-03-16. Review status: criteria provided, single submitter. Criteria: DASA Assertion Criteria. Collection method: clinical testing. Allele origin: germline.
Comment: NM_015465.5(GEMIN5):c.3046C>T (p.Arg1016Cys) is a missense variant that results in the substitution of arginine with cysteine. This variant has been reported in individuals with GEMIN5-related disorders (PMID: 35295849). Functional evidence supports an impact on the gene or gene product (PMID: 35393353). Also, this variant is rare in population databases. Based on the currently available evidence, this variant is classified as likely pathogenic.

Victorian Clinical Genetics Services, Murdoch Childrens Research Institute
Classification: Uncertain significance for Neurodevelopmental disorder with cerebellar atrophy and motor dysfunction. Last evaluated: 2026-02-16. Review status: criteria provided, single submitter. Criteria: ACMG Guidelines, 2015. Collection method: clinical testing. Allele origin: germline. Affected: yes.
Comment: This variant is classified as VUS-3A. Evidence in support of pathogenic classification: This variant has strong previous evidence of pathogenicity in unrelated individuals. This variant has been classified as likely pathogenic or as a VUS by clinical laboratories in ClinVar. It has also been reported as compound heterozygous in multiple individuals with GEMIN5-related features (DECIPHER, PMIDs: 38316953, 35295849, 35393353); This variant has moderate functional evidence supporting abnormal protein function. Studies in HEK293 cells showed that this variant has reduced protein levels in native ribosomes (80S) (PMID: 35393353); Missense variant predicted to be damaging by in silico tool(s) or highly conserved with a major amino acid change. Additional information: Variant is predicted to result in a missense amino acid change from Arg to Cys; This variant is heterozygous; This gene is associated with autosomal recessive disease; Variant is present in gnomAD <0.01 for a recessive condition (v4: 11230 heterozygote(s), 58 homozygote(s)). However, there are discrepant frequencies for this variant among exomes (0.0073) and genomes (0.0045) which may be due to the presence of sequencing artefacts in the exome samples; Alternative amino acid change(s) at the same position are present in gnomAD (highest allele count: v4: 132 heterozygote(s), 0 homozygote(s)); No published evidence of segregation with disease has been identified for this variant; No comparable missense variants have previous evidence for pathogenicity; Variant is located in the annotated GEMI5 TPR domain (DECIPHER); Loss of function is a known mechanism of disease in this gene and is associated with neurodevelopmental disorder with cerebellar atrophy and motor dysfunction (MIM#619333).

First Genomix Gene Laboratory, Genetic Diagnostics Department
Classification: Likely pathogenic for Neurodevelopmental disorder with cerebellar atrophy and motor dysfunction. Last evaluated: 2025-07-09. Review status: criteria provided, single submitter. Criteria: ACMG Guidelines, 2015. Collection method: clinical testing. Allele origin: germline. Inheritance: Autosomal recessive inheritance. Affected: no. Observed: 1 variant allele.

GeneDx
Classification: Pathogenic. Last evaluated: 2025-05-18. Review status: criteria provided, single submitter. Criteria: GeneDx Variant Classification Process June 2021. Collection method: clinical testing. Allele origin: germline.
Comment: Published functional studies demonstrated reduced dimerization and ribosome association compared to wildtype (PMID: 35393353); In silico analysis supports that this missense variant has a deleterious effect on protein structure/function; This variant is associated with the following publications: (PMID: 35393353, 36980979, 16677673, 38316953, 38773790, 39819844, 35295849)

Women's Health and Genetics/Laboratory Corporation of America, LabCorp
Classification: Uncertain significance. Last evaluated: 2025-05-09. Review status: criteria provided, single submitter. Criteria: LabCorp Variant Classification Summary - May 2015. Collection method: clinical testing. Allele origin: germline.
Comment: Variant summary: GEMIN5 c.3046C>T (p.Arg1016Cys) results in a non-conservative amino acid change in the encoded protein sequence. Algorithms developed to predict the effect of missense changes on protein structure and function are either unavailable or do not agree on the potential impact of this missense change. The variant allele was found at a frequency of 0.0046 in 249516 control chromosomes in the gnomAD database, including 5 homozygotes. The observed variant frequency exceeds the estimated maximal expected allele frequency for a pathogenic variant in GEMIN5 causing GEMIN5-Related Disorder phenotype. c.3046C>T has been observed in multiple compound heterozygous individuals affected with GEMIN5-Related Disorder (Rajan_2022, Francisco-Velilla_2022, Cascajo-Almenara_2024). These data indicate that the variant is likely to be associated with disease. At least one publication reports experimental evidence evaluating an impact on protein function. The most pronounced variant effect results in 30%-<50% of normal activity (Francisco-Velilla_2022). ClinVar contains an entry for this variant (Variation ID: 562188). Based on the evidence outlined above, the variant was classified as VUS-possibly pathogenic.

Greenwood Genetic Center Diagnostic Laboratories, Greenwood Genetic Center
Classification: Uncertain significance. Last evaluated: 2025-02-19. Review status: criteria provided, single submitter. Criteria: ACMG Guidelines, 2015. Collection method: clinical testing. Allele origin: germline.
Comment: PS3, BS1

Mayo Clinic Laboratories, Mayo Clinic
Classification: Uncertain significance. Last evaluated: 2018-03-08. Review status: flagged submission. Criteria: ACMG Guidelines, 2015. Collection method: clinical testing. Allele origin: paternal. Not counted in ClinVar's aggregate classification.
ClinVar note: Reason: Older claim that does not account for recent evidence

Literature cited by the submitters: PubMed 35295849 (cited by 3 submitters); PubMed 38316953 (cited by 3 submitters); PubMed 35393353 (cited by 3 submitters).

NM_015465.5(GEMIN5):c.3046C>T (p.Arg1016Cys)

Gene: GEMIN5 (gem nuclear organelle associated protein 5; minus strand). Cytogenetic location: 5q33.2.
Variant type: single nucleotide variant.
Coding change: c.3046C>T on transcript NM_015465.5 (MANE Select); coding-DNA position 3046, C replaced by T.
Protein change: p.Arg1016Cys; replaces arginine 1016 with cysteine.
Molecular consequence: missense variant.
Genome position (GRCh38, 1-based): chr5:154,899,279, G>A on the plus strand (C>T on the coding strand, the complement: GEMIN5 is on the minus strand). VCF-style: chr5-154899279-G-A. GRCh37 (hg19) VCF-style: chr5-154278839-G-A.
Other names: c.3043C>T, p.Arg1015Cys (NM_001252156.2); short protein forms R1016C, R1015C.
Identifiers: ClinVar variation 562188 (VCV000562188.37), dbSNP rs61749643, ClinGen allele CA3528493.